The following is an entry in ClinVar:

NM_006031.6(PCNT):c.5132G>A (p.Ser1711Asn)

Gene: PCNT (pericentrin; plus strand). Cytogenetic location: 21q22.3.
Variant type: single nucleotide variant.
Coding change: c.5132G>A on transcript NM_006031.6 (MANE Select); coding-DNA position 5132, G replaced by A.
Protein change: p.Ser1711Asn; replaces serine 1711 with asparagine.
Molecular consequence: missense variant.
Genome position (GRCh38, 1-based): chr21:46,411,205, G>A. VCF-style: chr21-46411205-G-A. GRCh37 (hg19) VCF-style: chr21-47831119-G-A.
Other names: c.4778G>A, p.Ser1593Asn (NM_001315529.2); short protein forms S1593N, S1711N.
Identifiers: ClinVar variation 3356895 (VCV003356895.2).

ClinVar aggregate classification (germline): Uncertain significance (1 of 4 stars; one submission).

Conditions:
PCNT-related disorder. Also called: PCNT-related condition.

gnomAD v4.1: 1 of 1,614,122 alleles (0.000062%); highest among the groups gnomAD compares: Non-Finnish European, 0.000085%; no homozygotes.

Submission:

PreventionGenetics, part of Exact Sciences
Classification: Uncertain significance for PCNT-related condition. Last evaluated: 2025-01-29. Review status: criteria provided, single submitter. Criteria: ACMG Guidelines, 2015. Collection method: clinical testing. Allele origin: germline.
Comment: The PCNT c.5132G>A variant is predicted to result in the amino acid substitution p.Ser1711Asn. To our knowledge, this variant has not been reported in the literature or in a large population database, indicating this variant is rare. At this time, the clinical significance of this variant is uncertain due to the absence of conclusive functional and genetic evidence.